The following is an entry in ClinVar:

NM_173660.5(DOK7):c.811A>G (p.Ser271Gly)

Gene: DOK7 (docking protein 7; plus strand). Cytogenetic location: 4p16.3.
Variant type: single nucleotide variant.
Coding change: c.811A>G on transcript NM_173660.5 (MANE Select); coding-DNA position 811, A replaced by G.
Protein change: p.Ser271Gly; replaces serine 271 with glycine.
Molecular consequence: missense variant. On other transcripts: 3 prime UTR variant (1), 5 prime UTR variant (1).
Genome position (GRCh38, 1-based): chr4:3,492,797, A>G. VCF-style: chr4-3492797-A-G. GRCh37 (hg19) VCF-style: chr4-3494524-A-G.
Other names: c.*32A>G (NM_001164673.2); c.-120A>G (NM_001256896.2); c.811A>G, p.Ser271Gly (NM_001301071.2); c.379A>G, p.Ser127Gly (NM_001363811.2); short protein forms S127G, S271G.
Identifiers: ClinVar variation 1033206 (VCV001033206.2), dbSNP rs756253716, ClinGen allele CA2829234.
Genomic context (GRCh38, chr4:3,492,797, plus strand): 5'-TTGGCTTCCTGCTCTGTCTCAGGGGATGACCGCAGCCTGTCCAGCTCATCCTCAGAGGCC[A>G]GTCACTTGGACGTCAGCGCCAGCAGCCGGCTCACCGCATGGCCAGAGCAATCCTCGTCGT-3'
Protein context (NP_775931.3, residues 261-281): RSLSSSSSEA[Ser271Gly]HLDVSASSRL

ClinVar aggregate classification (germline): Uncertain significance. Review status: criteria provided, multiple submitters, no conflicts (2 of 4 stars). 2 submissions from 2 submitters: Uncertain significance (2). Last evaluated 2020-09-30.

Conditions:
Fetal akinesia deformation sequence 1 (FADS1). Also called: Pena-Shokeir syndrome type I; Fetal akinesia sequence. Identifiers: Orphanet 994, MedGen C1276035, MONDO:0100101, OMIM 208150, HP:0001989.

Allele frequency attached by ClinVar (database versions not stated): gnomAD 0.00001; ExAC 0.00002; gnomAD exomes 0.00002; TOPMed 0.00003.
gnomAD v4.1: 33 of 1,612,670 alleles (0.002%); highest among the groups gnomAD compares: South Asian, 0.021%; 1 homozygote.

Submissions (2):

Blueprint Genetics
Classification: Uncertain significance. Last evaluated: 2020-09-30. Review status: criteria provided, single submitter. Criteria: ACMG Guidelines, 2015. Collection method: clinical testing. Allele origin: germline.

Baylor Genetics
Classification: Uncertain significance for Fetal akinesia deformation sequence 1. Last evaluated: 2018-01-18. Review status: criteria provided, single submitter. Criteria: ACMG Guidelines, 2015. Collection method: clinical testing. Allele origin: maternal. Affected: yes.
Comment: This variant was determined to be of uncertain significance according to ACMG Guidelines, 2015 [PMID:25741868].